The following is an entry in ClinVar:

NM_020964.3(EPG5):c.6522G>A (p.Pro2174=)

Gene: EPG5 (ectopic P-granules 5 autophagy tethering factor; minus strand). Cytogenetic location: 18q12.3.
Variant type: single nucleotide variant.
Coding change: c.6522G>A on transcript NM_020964.3 (MANE Select); coding-DNA position 6522, G replaced by A.
Protein change: p.Pro2174=; no amino-acid change (proline 2174 retained).
Molecular consequence: synonymous variant.
Genome position (GRCh38, 1-based): chr18:45,866,897, C>T on the plus strand (G>A on the coding strand, the complement: EPG5 is on the minus strand). VCF-style: chr18-45866897-C-T. GRCh37 (hg19) VCF-style: chr18-43446862-C-T.
Other names: c.6522G>A, p.Pro2174= (LRG_1234t1).
Identifiers: ClinVar variation 534619 (VCV000534619.38), dbSNP rs148683476, ClinGen allele CA8948247.

ClinVar aggregate classification (germline): Benign/Likely benign. Review status: criteria provided, multiple submitters, no conflicts (2 of 4 stars). 4 submissions from 4 submitters: Benign (3); Likely benign (1). Last evaluated 2026-09-01.

Conditions:
Vici syndrome (VICIS). Identifiers: Orphanet 1493, MedGen C1855772, MONDO:0009452, OMIM 242840.

Allele frequency attached by ClinVar (database versions not stated): 1000 Genomes Project 30x 0.00328; 1000 Genomes Project 0.00359; ExAC 0.00651; TOPMed 0.00657; gnomAD 0.00708 and 0.00711; ESP Exome Variant Server 0.00732.
gnomAD v4.1: 16,593 of 1,613,994 alleles (1%); highest among the groups gnomAD compares: Non-Finnish European, 1.2%; 111 homozygotes.

Submissions (4):

CeGaT Center for Human Genetics Tuebingen
Classification: Benign. Last evaluated: 2026-09-01. Review status: criteria provided, single submitter. Criteria: CeGaT Center For Human Genetics Tuebingen Variant Classification Criteria Version 2. Collection method: clinical testing. Allele origin: germline. Affected: yes. Observed: 27 variant alleles.
Comment: EPG5: BP4, BP7, BS1, BS2

Labcorp Genetics (formerly Invitae), Labcorp
Classification: Benign for Vici syndrome. Last evaluated: 2026-02-02. Review status: criteria provided, single submitter. Criteria: Invitae Variant Classification Sherloc (09022015). Collection method: clinical testing. Allele origin: germline.

Blueprint Genetics
Classification: Likely benign. Last evaluated: 2024-11-27. Review status: criteria provided, single submitter. Criteria: ACMG Guidelines, 2015. Collection method: clinical testing. Allele origin: germline.

Breakthrough Genomics
Classification: Benign. Review status: criteria provided, single submitter. Criteria: ACMG Guidelines, 2015. Collection method: not provided. Allele origin: germline. Inheritance: Autosomal recessive inheritance. Affected: yes.